The following is an entry in ClinVar:

ClinVar aggregate classification (germline): Uncertain significance (1 of 4 stars; one submission).

Conditions:
Inborn genetic diseases. Identifiers: MedGen C0950123, MeSH D030342.

Submission:

Ambry Genetics
Classification: Uncertain significance for Inborn genetic diseases. Last evaluated: 2026-02-16. Review status: criteria provided, single submitter. Criteria: Ambry Variant Classification Scheme 2023. Collection method: clinical testing. Allele origin: germline.
Comment: The p.A935T variant (also known as c.2803G>A), located in coding exon 12 of the BMPR2 gene, results from a G to A substitution at nucleotide position 2803. The alanine at codon 935 is replaced by threonine, an amino acid with similar properties. This amino acid position is conserved. In addition, this alteration is predicted to be tolerated by in silico analysis. Based on the available evidence, the clinical significance of this variant remains unclear.

NM_001204.7(BMPR2):c.2803G>A (p.Ala935Thr)

Gene: BMPR2 (bone morphogenetic protein receptor type 2; plus strand). Cytogenetic location: 2q33.2.
Variant type: single nucleotide variant.
Coding change: c.2803G>A on transcript NM_001204.7 (MANE Select); coding-DNA position 2803, G replaced by A.
Protein change: p.Ala935Thr; replaces alanine 935 with threonine.
Molecular consequence: missense variant.
Genome position (GRCh38, 1-based): chr2:202,556,468, G>A. VCF-style: chr2-202556468-G-A. GRCh37 (hg19) VCF-style: chr2-203421191-G-A.
Other names: short protein forms A935T.
Identifiers: ClinVar variation 4824925 (VCV004824925.1).